The following is an entry in ClinVar:

ClinVar aggregate classification (germline): Uncertain significance. Review status: criteria provided, multiple submitters, no conflicts (2 of 4 stars). 2 submissions from 2 submitters: Uncertain significance (2). Last evaluated 2023-05-27.

Conditions:
Dyskeratosis congenita, autosomal dominant 2. Identifiers: MedGen C3151443, MONDO:0013521, OMIM 613989.
Idiopathic Pulmonary Fibrosis. Also called: Idiopathic fibrosing alveolitis, chronic form; idiopathic fibrosing alveolitis. Identifiers: Orphanet 2032, MedGen C1800706, MeSH D054990, MONDO:0800504.
Dyskeratosis congenita. Identifiers: Orphanet 1775, MedGen C0265965, MONDO:0015780.

Submissions (2):

Ambry Genetics
Classification: Uncertain significance for Dyskeratosis congenita. Last evaluated: 2023-05-27. Review status: criteria provided, single submitter. Criteria: Ambry Variant Classification Scheme 2023. Collection method: clinical testing. Allele origin: germline.
Comment: The p.S348R variant (also known as c.1044C>G), located in coding exon 2 of the TERT gene, results from a C to G substitution at nucleotide position 1044. The serine at codon 348 is replaced by arginine, an amino acid with dissimilar properties. This amino acid position is conserved. In addition, the in silico prediction for this alteration is inconclusive. Since supporting evidence is limited at this time, the clinical significance of this alteration remains unclear.

Labcorp Genetics (formerly Invitae), Labcorp
Classification: Uncertain significance for Dyskeratosis congenita, autosomal dominant 2; Idiopathic Pulmonary Fibrosis. Last evaluated: 2019-02-14. Review status: criteria provided, single submitter. Criteria: Invitae Variant Classification Sherloc (09022015). Collection method: clinical testing. Allele origin: germline.
Comment: In summary, the available evidence is currently insufficient to determine the role of this variant in disease. Therefore, it has been classified as a Variant of Uncertain Significance. Algorithms developed to predict the effect of sequence changes on RNA splicing suggest that this variant may create or strengthen a splice site, but this prediction has not been confirmed by published transcriptional studies. Algorithms developed to predict the effect of missense changes on protein structure and function are either unavailable or do not agree on the potential impact of this missense change (SIFT: "Deleterious"; PolyPhen-2: "Benign"; Align-GVGD: "Class C25"). This variant has not been reported in the literature in individuals with TERT-related conditions. This variant is not present in population databases (ExAC no frequency). This sequence change replaces serine with arginine at codon 348 of the TERT protein (p.Ser348Arg). The serine residue is moderately conserved and there is a moderate physicochemical difference between serine and arginine.

NM_198253.3(TERT):c.1044C>G (p.Ser348Arg)

Gene: TERT (telomerase reverse transcriptase; minus strand). Cytogenetic location: 5p15.33.
Variant type: single nucleotide variant.
Coding change: c.1044C>G on transcript NM_198253.3 (MANE Select); coding-DNA position 1044, C replaced by G.
Protein change: p.Ser348Arg; replaces serine 348 with arginine.
Molecular consequence: missense variant. On other transcripts: non-coding transcript variant (2).
Genome position (GRCh38, 1-based): chr5:1,293,842, G>C on the plus strand (C>G on the coding strand, the complement: TERT is on the minus strand). VCF-style: chr5-1293842-G-C. GRCh37 (hg19) VCF-style: chr5-1293957-G-C.
Other names: c.1044C>G, p.Ser348Arg (NM_001193376.3); short protein forms S348R.
Identifiers: ClinVar variation 837145 (VCV000837145.11), dbSNP rs1751169034, ClinGen allele CA359055814.